The following is an entry in ClinVar:

NM_016222.4(DDX41):c.317A>G (p.Lys106Arg)

Gene: DDX41 (DEAD-box helicase 41; minus strand). Cytogenetic location: 5q35.3.
Variant type: single nucleotide variant.
Coding change: c.317A>G on transcript NM_016222.4 (MANE Select); coding-DNA position 317, A replaced by G.
Protein change: p.Lys106Arg; replaces lysine 106 with arginine.
Molecular consequence: missense variant. On other transcripts: 5 prime UTR variant (2).
Genome position (GRCh38, 1-based): chr5:177,516,175, T>C on the plus strand (A>G on the coding strand, the complement: DDX41 is on the minus strand). VCF-style: chr5-177516175-T-C. GRCh37 (hg19) VCF-style: chr5-176943176-T-C.
Other names: c.-62A>G (NM_001321732.2, NM_001321830.2); short protein forms K106R.
Identifiers: ClinVar variation 3657179 (VCV003657179.2).

ClinVar aggregate classification (germline): Uncertain significance (1 of 4 stars; one submission).

Submission:

Labcorp Genetics (formerly Invitae), Labcorp
Classification: Uncertain significance. Last evaluated: 2024-06-20. Review status: criteria provided, single submitter. Criteria: Invitae Variant Classification Sherloc (09022015). Collection method: clinical testing. Allele origin: germline.
Comment: This sequence change replaces lysine, which is basic and polar, with arginine, which is basic and polar, at codon 106 of the DDX41 protein (p.Lys106Arg). This variant is not present in population databases (gnomAD no frequency). This variant has not been reported in the literature in individuals affected with DDX41-related conditions. An algorithm developed to predict the effect of missense changes on protein structure and function (PolyPhen-2) suggests that this variant is likely to be tolerated. In summary, the available evidence is currently insufficient to determine the role of this variant in disease. Therefore, it has been classified as a Variant of Uncertain Significance.